The following is an entry in ClinVar:

ClinVar aggregate classification (germline): Benign/Likely benign. Review status: criteria provided, multiple submitters, no conflicts (2 of 4 stars). 4 submissions from 4 submitters: Benign (1); Likely benign (3). Last evaluated 2024-05-08.

Conditions:
Hereditary cancer-predisposing syndrome. Also called: Hereditary neoplastic syndrome; Neoplastic Syndromes, Hereditary; Tumor predisposition; Hereditary Cancer Syndrome. Identifiers: Orphanet 140162, MedGen C0027672, MeSH D009386, MONDO:0015356.
ATM-related cancer predisposition. Also called: ATM-related cancer susceptibility. Identifiers: MedGen CN377759, MONDO:0700270.
Familial cancer of breast. Also called: hereditary breast carcinoma; BREAST CANCER, FAMILIAL; Hereditary breast cancer. Identifiers: Orphanet 227535, MedGen C0346153, MONDO:0016419, OMIM 114480. Disease mechanism: loss of function.
Ataxia-telangiectasia syndrome (AT). Also called: Ataxia-telangiectasia, complementation group D; AT, COMPLEMENTATION GROUP C; LOUIS-BAR SYNDROME; Cerebello-oculocutaneous telangiectasia; Immunodeficiency with ataxia telangiectasia; ATAXIA-TELANGIECTASIA, COMPLEMENTATION GROUP A. Identifiers: Orphanet 100, MedGen C0004135, MONDO:0008840, OMIM 208900.

Allele frequency attached by ClinVar (database versions not stated): gnomAD exomes below 0.00001 and 0.00001; gnomAD 0.00001.
gnomAD v4.1: 2 of 1,613,976 alleles (0.00012%); highest among the groups gnomAD compares: East Asian, 0.0022%; no homozygotes.

Submissions (4):

Myriad Genetics, Inc.
Classification: Benign for Familial cancer of breast. Last evaluated: 2024-05-08. Review status: criteria provided, single submitter. Criteria: Myriad Autosomal Dominant, Autosomal Recessive and X-Linked Classification Criteria (2023). Collection method: clinical testing. Allele origin: unknown.
Comment: This variant is considered benign. This variant is a silent/synonymous amino acid change and it is not expected to impact splicing.

Labcorp Genetics (formerly Invitae), Labcorp
Classification: Likely benign for Ataxia-telangiectasia syndrome. Last evaluated: 2023-05-30. Review status: criteria provided, single submitter. Criteria: Invitae Variant Classification Sherloc (09022015). Collection method: clinical testing. Allele origin: germline.

Department of Pathology and Laboratory Medicine, Sinai Health System
Classification: Likely benign for ATM-related cancer predisposition. Last evaluated: 2022-11-01. Review status: criteria provided, single submitter. Criteria: ACMG Guidelines, 2015. Collection method: clinical testing. Allele origin: germline. Affected: no.

Color Diagnostics, LLC DBA Color Health
Classification: Likely benign for Hereditary cancer-predisposing syndrome. Last evaluated: 2021-03-16. Review status: criteria provided, single submitter. Criteria: ACMG Guidelines, 2015. Collection method: clinical testing. Allele origin: germline.

NM_000051.4(ATM):c.2331A>G (p.Arg777=)

Gene: ATM (ATM serine/threonine kinase; plus strand). Cytogenetic location: 11q22.3.
Variant type: single nucleotide variant.
Coding change: c.2331A>G on transcript NM_000051.4 (MANE Select); coding-DNA position 2331, A replaced by G.
Protein change: p.Arg777=; no amino-acid change (arginine 777 retained).
Molecular consequence: synonymous variant.
Genome position (GRCh38, 1-based): chr11:108,257,561, A>G. VCF-style: chr11-108257561-A-G. GRCh37 (hg19) VCF-style: chr11-108128288-A-G.
Other names: c.2331A>G, p.Arg777= (NM_001351834.2).
Identifiers: ClinVar variation 1138808 (VCV001138808.13), dbSNP rs1313482346, ClinGen allele CA476672727.